The following is an entry in ClinVar:

ClinVar aggregate classification (germline): Pathogenic (1 of 4 stars; one submission).

Conditions:
Microcephaly, normal intelligence and immunodeficiency (NBS). Also called: BERLIN BREAKAGE SYNDROME; Immunodeficiency, microcephaly with normal intelligence; SEEMANOVA SYNDROME II; Ataxia telangiectasia variant V1; Nijmegen breakage syndrome; IMMUNODEFICIENCY, MICROCEPHALY, AND CHROMOSOMAL INSTABILITY. Identifiers: Orphanet 647, MedGen C0398791, MONDO:0009623, OMIM 251260.

Submission:

Labcorp Genetics (formerly Invitae), Labcorp
Classification: Pathogenic for Microcephaly, normal intelligence and immunodeficiency. Last evaluated: 2021-10-06. Review status: criteria provided, single submitter. Criteria: Invitae Variant Classification Sherloc (09022015). Collection method: clinical testing. Allele origin: germline.
Comment: This sequence change creates a premature translational stop signal (p.Arg594Glyfs*4) in the NBN gene. It is expected to result in an absent or disrupted protein product. This variant is not present in population databases (ExAC no frequency). This variant has not been reported in the literature in individuals with NBN-related conditions. ClinVar contains an entry for this variant (Variation ID: 656516). Loss-of-function variants in NBN are known to be pathogenic (PMID: 9590180, 16415040). For these reasons, this variant has been classified as Pathogenic.

Literature cited by the submitters: PubMed 9590180; PubMed 16415040.

NM_002485.5(NBN):c.1780del (p.Arg594fs)

Gene: NBN (nibrin; minus strand). Cytogenetic location: 8q21.3.
Variant type: Deletion.
Coding change: c.1780del on transcript NM_002485.5 (MANE Select); coding-DNA position 1780, one base deleted (A; older notation c.1780delA).
Protein change: p.Arg594fs; shifts the reading frame from arginine 594.
Molecular consequence: frameshift variant.
Genome position (GRCh38, 1-based): chr8:89,953,309, T deleted on the plus strand (A on the coding strand, the reverse complement: NBN is on the minus strand); the first of 2 consecutive T bases (chr8:89,953,309-89,953,310); deleting either gives the same sequence. VCF-style (leftmost placement, unchanged base first): chr8-89953308-CT-C. GRCh37 (hg19) VCF-style: chr8-90965536-CT-C.
Other names: c.1780delA (NM_002485.4); c.1534del, p.Arg512fs (NM_001024688.3); short protein forms R512fs, R594fs.
Identifiers: ClinVar variation 656516 (VCV000656516.4), dbSNP rs1586052920, ClinGen allele CA915945770.
Genomic context (GRCh38, chr8:89,953,308, plus strand): 5'-ATTTTGCTACTTTCTGGTACTGCTTCATCACTGAAAGTGTCATTTGTTTCTATATCCATC[CT>C]TGGCCTTTTTCTAACATTGACATCTTCCTCCTGTTTTTGAACTTTCACATCAATTTCTAA-3'